The following is an entry in ClinVar:

ClinVar aggregate classification (germline): Likely benign (1 of 4 stars; one submission).

Allele frequency attached by ClinVar (database versions not stated): ESP Exome Variant Server 0.00037; 1000 Genomes Project 30x 0.00016.
gnomAD v4.1: 1,968 of 1,577,228 alleles (0.12%); highest among the groups gnomAD compares: Non-Finnish European, 0.16%; 2 homozygotes.

Submission:

CeGaT Center for Human Genetics Tuebingen
Classification: Likely benign. Last evaluated: 2022-08-01. Review status: criteria provided, single submitter. Criteria: CeGaT Center For Human Genetics Tuebingen Variant Classification Criteria Version 2. Collection method: clinical testing. Allele origin: germline. Affected: yes. Observed: 1 variant allele.
Comment: ZYX: BP4, BP7

NM_003461.5(ZYX):c.192C>T (p.Pro64=)

Genes: FAM131B (family with sequence similarity 131 member B; minus strand), ZYX (zyxin; plus strand). Cytogenetic location: 7q34.
Variant type: single nucleotide variant.
Coding change: c.192C>T on transcript NM_003461.5 (MANE Select); coding-DNA position 192, C replaced by T.
Protein change: p.Pro64=; no amino-acid change (proline 64 retained).
Molecular consequence: synonymous variant. On other transcripts: intron variant (1).
Genome position (GRCh38, 1-based): chr7:143,381,763, C>T. VCF-style: chr7-143381763-C-T. GRCh37 (hg19) VCF-style: chr7-143078856-C-T.
Other names: c.192C>T, p.Pro64= (NM_001010972.2, NM_001362783.2); c.-57+156G>A (NM_001371250.1).
Identifiers: ClinVar variation 2658116 (VCV002658116.22), dbSNP rs371579974, ClinGen allele CA4538226.